The following is an entry in ClinVar:

ClinVar aggregate classification (germline): Uncertain significance (1 of 4 stars; one submission).

Submission:

Labcorp Genetics (formerly Invitae), Labcorp
Classification: Uncertain significance. Last evaluated: 2025-12-18. Review status: criteria provided, single submitter. Criteria: Invitae Variant Classification Sherloc (09022015). Collection method: clinical testing. Allele origin: germline.
Comment: This sequence change replaces arginine, which is basic and polar, with glutamine, which is neutral and polar, at codon 687 of the YME1L1 protein (p.Arg687Gln). This variant is present in population databases (rs562932680, gnomAD 0.03%). This variant has not been reported in the literature in individuals affected with YME1L1-related conditions. An algorithm developed to predict the effect of missense changes on protein structure and function outputs the following: PolyPhen-2: "Benign". The glutamine amino acid residue is found in multiple mammalian species, which suggests that this missense change does not adversely affect protein function. In summary, the available evidence is currently insufficient to determine the role of this variant in disease. Therefore, it has been classified as a Variant of Uncertain Significance.

NM_014263.4(YME1L1):c.1889G>A (p.Arg630Gln)

Gene: YME1L1 (YME1 like 1 ATPase; minus strand). Cytogenetic location: 10p12.1.
Variant type: single nucleotide variant.
Coding change: c.1889G>A on transcript NM_014263.4 (MANE Select); coding-DNA position 1889, G replaced by A.
Protein change: p.Arg630Gln; replaces arginine 630 with glutamine.
Molecular consequence: missense variant.
Genome position (GRCh38, 1-based): chr10:27,116,091, C>T on the plus strand (G>A on the coding strand, the complement: YME1L1 is on the minus strand). VCF-style: chr10-27116091-C-T. GRCh37 (hg19) VCF-style: chr10-27405020-C-T.
Other names: c.1790G>A, p.Arg597Gln (NM_001253866.2); c.2060G>A, p.Arg687Gln (NM_139312.3); short protein forms R597Q, R630Q, R687Q.
Identifiers: ClinVar variation 4740372 (VCV004740372.1).
Genomic context (GRCh38, chr10:27,116,091, plus strand): 5'-ACATGAAAAGGATTTAAAAAATCTATTACCTTTTCACTCATTCCAAATTTGGTAACCATC[C>T]GCTTTGCTATTTTAGTGGCATTATCAAAATCACTGGAAGCACCTAAAATAAAATAAAAAC-3'
Protein context (NP_055078.1, residues 620-640): DFDNATKIAK[Arg630Gln]MVTKFGMSEK